The following is an entry in ClinVar:

NM_000092.5(COL4A4):c.507G>C (p.Lys169Asn)

Gene: COL4A4 (collagen type IV alpha 4 chain; minus strand). Cytogenetic location: 2q36.3.
Variant type: single nucleotide variant.
Coding change: c.507G>C on transcript NM_000092.5 (MANE Select); coding-DNA position 507, G replaced by C.
Protein change: p.Lys169Asn; replaces lysine 169 with asparagine.
Molecular consequence: missense variant.
Genome position (GRCh38, 1-based): chr2:227,114,679, C>G on the plus strand (G>C on the coding strand, the complement: COL4A4 is on the minus strand). VCF-style: chr2-227114679-C-G. GRCh37 (hg19) VCF-style: chr2-227979395-C-G.
Other names: short protein forms K169N.
Identifiers: ClinVar variation 726281 (VCV000726281.18), dbSNP rs545808060, ClinGen allele CA2145638.

ClinVar aggregate classification (germline): Conflicting classifications of pathogenicity. Review status: criteria provided, conflicting classifications (1 of 4 stars). 5 submissions from 5 submitters: Uncertain significance (1); Benign (1); Likely benign (1). 2 of the submissions do not count toward it. Last evaluated 2026-01-28.

Conditions:
Alport syndrome. Also called: Hemorrhagic familial nephritis; Hemorrhagic hereditary nephritis; Congenital hereditary hematuria. Identifiers: Orphanet 63, MedGen C1567741, MONDO:0018965.
COL4A4-related disorder.

Allele frequency attached by ClinVar (database versions not stated): gnomAD 0.00001 and 0.00021; TOPMed 0.00003; gnomAD exomes 0.00027 and 0.00068; ExAC 0.00070; 1000 Genomes Project 30x 0.00125; 1000 Genomes Project 0.00160.
gnomAD v4.1: 454 of 1,613,738 alleles (0.028%); highest among the groups gnomAD compares: South Asian, 0.45%; 8 homozygotes.

Submissions (5):

Labcorp Genetics (formerly Invitae), Labcorp
Classification: Benign. Last evaluated: 2026-01-28. Review status: criteria provided, single submitter. Criteria: Invitae Variant Classification Sherloc (09022015). Collection method: clinical testing. Allele origin: germline.

GeneDx
Classification: Likely benign. Last evaluated: 2021-05-10. Review status: criteria provided, single submitter. Criteria: GeneDx Variant Classification Process June 2021. Collection method: clinical testing. Allele origin: germline. Affected: yes.

Illumina Laboratory Services, Illumina
Classification: Uncertain significance for Alport syndrome. Last evaluated: 2018-01-13. Review status: criteria provided, single submitter. Criteria: ICSL Variant Classification Criteria 13 December 2019. Collection method: clinical testing. Allele origin: germline.

Natera, Inc.
Classification: Benign for Alport syndrome. Last evaluated: 2020-09-16. Review status: no assertion criteria provided. Collection method: clinical testing. Allele origin: germline. Not counted in ClinVar's aggregate classification.

PreventionGenetics, part of Exact Sciences
Classification: Likely benign for COL4A4-related condition. Last evaluated: 2020-06-05. Review status: no assertion criteria provided. Collection method: clinical testing. Allele origin: germline. Not counted in ClinVar's aggregate classification.
Comment: This variant is classified as likely benign based on ACMG/AMP sequence variant interpretation guidelines (Richards et al. 2015 PMID: 25741868, with internal and published modifications).